The following is an entry in ClinVar:

NM_001204.7(BMPR2):c.592C>G (p.Leu198Val)

Gene: BMPR2 (bone morphogenetic protein receptor type 2; plus strand). Cytogenetic location: 2q33.2.
Variant type: single nucleotide variant.
Coding change: c.592C>G on transcript NM_001204.7 (MANE Select); coding-DNA position 592, C replaced by G.
Protein change: p.Leu198Val; replaces leucine 198 with valine.
Molecular consequence: missense variant.
Genome position (GRCh38, 1-based): chr2:202,514,950, C>G. VCF-style: chr2-202514950-C-G. GRCh37 (hg19) VCF-style: chr2-203379673-C-G.
Other names: short protein forms L198V.
Identifiers: ClinVar variation 3992169 (VCV003992169.1).

ClinVar aggregate classification (germline): Uncertain significance (1 of 4 stars; one submission).

Conditions:
Inborn genetic diseases. Identifiers: MedGen C0950123, MeSH D030342.

Submission:

Ambry Genetics
Classification: Uncertain significance for Inborn genetic diseases. Last evaluated: 2025-05-16. Review status: criteria provided, single submitter. Criteria: Ambry Variant Classification Scheme 2023. Collection method: clinical testing. Allele origin: germline.
Comment: The p.L198V variant (also known as c.592C>G), located in coding exon 5 of the BMPR2 gene, results from a C to G substitution at nucleotide position 592. The leucine at codon 198 is replaced by valine, an amino acid with highly similar properties. This amino acid position is conserved. In addition, the in silico prediction for this alteration is inconclusive. Based on the available evidence, the clinical significance of this variant remains unclear.